The following is an entry in ClinVar:

NM_002282.3(KRT83):c.945G>A (p.Arg315=)

Gene: KRT83 (keratin 83; minus strand). Cytogenetic location: 12q13.13.
Variant type: single nucleotide variant.
Coding change: c.945G>A on transcript NM_002282.3 (MANE Select); coding-DNA position 945, G replaced by A.
Protein change: p.Arg315=; no amino-acid change (arginine 315 retained).
Molecular consequence: synonymous variant.
Genome position (GRCh38, 1-based): chr12:52,316,564, C>T on the plus strand (G>A on the coding strand, the complement: KRT83 is on the minus strand). VCF-style: chr12-52316564-C-T. GRCh37 (hg19) VCF-style: chr12-52710348-C-T.
Identifiers: ClinVar variation 883999 (VCV000883999.8), dbSNP rs138807826, ClinGen allele CA6577457.

ClinVar aggregate classification (germline): Benign. Review status: criteria provided, multiple submitters, no conflicts (2 of 4 stars). 3 submissions from 3 submitters: Benign (2). 1 of the submissions does not count toward it. Last evaluated 2024-12-18.

Conditions:
KRT83-related disorder. Also called: KRT83-related condition.
Monilethrix. Also called: Beaded hair. Identifiers: Orphanet 573, MedGen C0546966, MONDO:0008009, HP:0032470.

Allele frequency attached by ClinVar (database versions not stated): gnomAD 0.00004 and 0.00012; TOPMed 0.00004; gnomAD exomes 0.00008 and 0.00027; ExAC 0.00010; 1000 Genomes Project 30x 0.00078; 1000 Genomes Project 0.00100.
gnomAD v4.1: 399 of 1,614,120 alleles (0.025%); highest among the groups gnomAD compares: East Asian, 0.88%; 8 homozygotes.

Submissions (3):

Labcorp Genetics (formerly Invitae), Labcorp
Classification: Benign. Last evaluated: 2024-12-18. Review status: criteria provided, single submitter. Criteria: Invitae Variant Classification Sherloc (09022015). Collection method: clinical testing. Allele origin: germline.

Illumina Laboratory Services, Illumina
Classification: Benign for Monilethrix-1. Last evaluated: 2018-01-12. Review status: criteria provided, single submitter. Criteria: ICSL Variant Classification Criteria 13 December 2019. Collection method: clinical testing. Allele origin: germline.
Comment: This variant was observed in the ICSL laboratory as part of a predisposition screen in an ostensibly healthy population. It had not been previously curated by ICSL or reported in the Human Gene Mutation Database (HGMD: prior to June 1st, 2018), and was therefore a candidate for classification through an automated scoring system. Utilizing variant allele frequency, disease prevalence and penetrance estimates, and inheritance mode, an automated score was calculated to assess if this variant is too frequent to cause the disease. Based on the score and internal cut-off values, a variant classified as benign is not then subjected to further curation. The score for this variant resulted in a classification of benign for this disease.

PreventionGenetics, part of Exact Sciences
Classification: Likely benign for KRT83-related condition. Last evaluated: 2019-03-18. Review status: no assertion criteria provided. Collection method: clinical testing. Allele origin: germline. Not counted in ClinVar's aggregate classification.
Comment: This variant is classified as likely benign based on ACMG/AMP sequence variant interpretation guidelines (Richards et al. 2015 PMID: 25741868, with internal and published modifications).